The following is an entry in ClinVar:

NM_033026.6(PCLO):c.14935G>A (p.Gly4979Arg)

Gene: PCLO (piccolo presynaptic cytomatrix protein; minus strand). Cytogenetic location: 7q21.11.
Variant type: single nucleotide variant.
Coding change: c.14935G>A on transcript NM_033026.6 (MANE Select); coding-DNA position 14935, G replaced by A.
Protein change: p.Gly4979Arg; replaces glycine 4979 with arginine.
Molecular consequence: missense variant.
Genome position (GRCh38, 1-based): chr7:82,801,590, C>T on the plus strand (G>A on the coding strand, the complement: PCLO is on the minus strand). VCF-style: chr7-82801590-C-T. GRCh37 (hg19) VCF-style: chr7-82430906-C-T.
Other names: short protein forms G4979R.
Identifiers: ClinVar variation 1480946 (VCV001480946.8), dbSNP rs1791354165, ClinGen allele CA368018385.

ClinVar aggregate classification (germline): Uncertain significance (1 of 4 stars; one submission).

Allele frequency attached by ClinVar (database versions not stated): TOPMed below 0.00001.

Submission:

Labcorp Genetics (formerly Invitae), Labcorp
Classification: Uncertain significance. Last evaluated: 2021-02-20. Review status: criteria provided, single submitter. Criteria: Invitae Variant Classification Sherloc (09022015). Collection method: clinical testing. Allele origin: germline.
Comment: This sequence change replaces glycine with arginine at codon 4979 of the PCLO protein (p.Gly4979Arg). The glycine residue is weakly conserved and there is a moderate physicochemical difference between glycine and arginine. In summary, the available evidence is currently insufficient to determine the role of this variant in disease. Therefore, it has been classified as a Variant of Uncertain Significance. Algorithms developed to predict the effect of missense changes on protein structure and function are either unavailable or do not agree on the potential impact of this missense change (SIFT: "Deleterious"; PolyPhen-2: "Not Available"; Align-GVGD: "Class C0"). This variant has not been reported in the literature in individuals with PCLO-related conditions. This variant is not present in population databases (ExAC no frequency).